The following is an entry in ClinVar:

NM_004304.5(ALK):c.1007C>T (p.Pro336Leu)

Gene: ALK (ALK receptor tyrosine kinase; minus strand). Cytogenetic location: 2p23.2.
Variant type: single nucleotide variant.
Coding change: c.1007C>T on transcript NM_004304.5 (MANE Select); coding-DNA position 1007, C replaced by T.
Protein change: p.Pro336Leu; replaces proline 336 with leucine.
Molecular consequence: missense variant.
Genome position (GRCh38, 1-based): chr2:29,532,062, G>A on the plus strand (C>T on the coding strand, the complement: ALK is on the minus strand). VCF-style: chr2-29532062-G-A. GRCh37 (hg19) VCF-style: chr2-29754928-G-A.
Other names: short protein forms P336L.
Identifiers: ClinVar variation 839027 (VCV000839027.35), dbSNP rs1450440625, ClinGen allele CA346587475.

ClinVar aggregate classification (germline): Uncertain significance. Review status: criteria provided, multiple submitters, no conflicts (2 of 4 stars). 4 submissions from 4 submitters: Uncertain significance (4). Last evaluated 2024-08-17.

Conditions:
Hereditary cancer-predisposing syndrome. Also called: Hereditary Cancer Syndrome; Neoplastic Syndromes, Hereditary; Tumor predisposition; Hereditary neoplastic syndrome. Identifiers: Orphanet 140162, MedGen C0027672, MeSH D009386, MONDO:0015356.
Neuroblastoma, susceptibility to, 3. Also called: ALK-Related Neuroblastic Tumor Susceptibility. Identifiers: Orphanet 635, MedGen C2751681, MONDO:0013083, OMIM 613014.

Allele frequency attached by ClinVar (database versions not stated): gnomAD exomes below 0.00001 and 0.00001.
gnomAD v4.1: 4 of 1,614,044 alleles (0.00025%); highest among the groups gnomAD compares: Middle Eastern, 0.033%; no homozygotes.

Submissions (4):

Ambry Genetics
Classification: Uncertain significance for Hereditary cancer-predisposing syndrome. Last evaluated: 2024-08-17. Review status: criteria provided, single submitter. Criteria: Ambry Variant Classification Scheme 2023. Collection method: clinical testing. Allele origin: germline.
Comment: The p.P336L variant (also known as c.1007C>T), located in coding exon 4 of the ALK gene, results from a C to T substitution at nucleotide position 1007. The proline at codon 336 is replaced by leucine, an amino acid with similar properties. This amino acid position is conserved. In addition, the in silico prediction for this alteration is inconclusive. Since supporting evidence is limited at this time, the clinical significance of this alteration remains unclear.

Labcorp Genetics (formerly Invitae), Labcorp
Classification: Uncertain significance for Neuroblastoma, susceptibility to, 3. Last evaluated: 2024-07-24. Review status: criteria provided, single submitter. Criteria: Invitae Variant Classification Sherloc (09022015). Collection method: clinical testing. Allele origin: germline.
Comment: This sequence change replaces proline, which is neutral and non-polar, with leucine, which is neutral and non-polar, at codon 336 of the ALK protein (p.Pro336Leu). This variant is present in population databases (no rsID available, gnomAD 0.006%). This variant has not been reported in the literature in individuals affected with ALK-related conditions. ClinVar contains an entry for this variant (Variation ID: 839027). An algorithm developed to predict the effect of missense changes on protein structure and function (PolyPhen-2) suggests that this variant is likely to be disruptive. In summary, the available evidence is currently insufficient to determine the role of this variant in disease. Therefore, it has been classified as a Variant of Uncertain Significance.

Baylor Genetics
Classification: Uncertain significance for Neuroblastoma, susceptibility to, 3. Last evaluated: 2023-12-16. Review status: criteria provided, single submitter. Criteria: ACMG Guidelines, 2015. Collection method: clinical testing. Allele origin: unknown.

CeGaT Center for Human Genetics Tuebingen
Classification: Uncertain significance. Last evaluated: 2023-12-01. Review status: criteria provided, single submitter. Criteria: CeGaT Center For Human Genetics Tuebingen Variant Classification Criteria Version 2. Collection method: clinical testing. Allele origin: germline. Affected: yes. Observed: 1 variant allele.
Comment: ALK: PM2